The following is an entry in ClinVar:

NM_000180.4(GUCY2D):c.2412+2T>C

Gene: GUCY2D (guanylate cyclase 2D, retinal; plus strand). Cytogenetic location: 17p13.1.
Variant type: single nucleotide variant.
Coding change: c.2412+2T>C on transcript NM_000180.4 (MANE Select); the canonical splice donor site of the intron after coding-DNA position 2412, T replaced by C.
Molecular consequence: splice donor variant.
Genome position (GRCh38, 1-based): chr17:8,014,030, T>C. VCF-style: chr17-8014030-T-C. GRCh37 (hg19) VCF-style: chr17-7917348-T-C.
Identifiers: ClinVar variation 1492836 (VCV001492836.10), dbSNP rs2151803131, ClinGen allele CA397953373.

ClinVar aggregate classification (germline): Likely pathogenic. Review status: criteria provided, multiple submitters, no conflicts (2 of 4 stars). 2 submissions from 2 submitters: Likely pathogenic (2). Last evaluated 2025-11-12.

Conditions:
Choroidal dystrophy, central areolar, 1. Identifiers: Orphanet 75377, MedGen C4551884, MONDO:0024539, OMIM 215500.
Cone-rod dystrophy 6 (CORD6). Also called: RETINAL CONE DYSTROPHY 2; Cone dystrophy progressive. Identifiers: Orphanet 1872, MedGen C1866293, MONDO:0011143, OMIM 601777.
Leber congenital amaurosis 1 (LCA1). Also called: AMAUROSIS CONGENITA OF LEBER I; RETINAL BLINDNESS, CONGENITAL; Congenital absence of the rods and cones; Leber's congenital tapetoretinal degeneration; Leber's congenital tapetoretinal dysplasia. Identifiers: Orphanet 65, MedGen C2931258, MONDO:0008764, OMIM 204000.
Night blindness, congenital stationary, type1i. Also called: NIGHT BLINDNESS, CONGENITAL STATIONARY, TYPE 1I. Identifiers: MedGen C5231408, MONDO:0032811, OMIM 618555.

Submissions (2):

Labcorp Genetics (formerly Invitae), Labcorp
Classification: Likely pathogenic for Leber congenital amaurosis 1; Cone-rod dystrophy 6. Last evaluated: 2025-11-12. Review status: criteria provided, single submitter. Criteria: Invitae Variant Classification Sherloc (09022015). Collection method: clinical testing. Allele origin: germline.
Comment: This sequence change affects a donor splice site in intron 12 of the GUCY2D gene. It is expected to disrupt RNA splicing. Variants that disrupt the donor or acceptor splice site typically lead to a loss of protein function (PMID: 16199547), and loss-of-function variants in GUCY2D are known to be pathogenic (PMID: 10951519, 11328726). This variant is not present in population databases (gnomAD no frequency). This variant has not been reported in the literature in individuals affected with GUCY2D-related conditions. ClinVar contains an entry for this variant (Variation ID: 1492836). Algorithms developed to predict the effect of sequence changes on RNA splicing suggest that this variant may disrupt the consensus splice site. In summary, the currently available evidence indicates that the variant is pathogenic, but additional data are needed to prove that conclusively. Therefore, this variant has been classified as Likely Pathogenic.

Juno Genomics, Hangzhou Juno Genomics, Inc
Classification: Likely pathogenic for Choroidal dystrophy, central areolar, 1; Cone-rod dystrophy 6; Leber congenital amaurosis 1; Night blindness, congenital stationary, type1i. Review status: criteria provided, single submitter. Criteria: ACMG Guidelines, 2015. Collection method: clinical testing. Allele origin: germline.
Comment: Absent from controls (or at extremely low frequency if recessive) in Genome Aggregation Database.;Null variant in a gene where loss of function (LOF) is a known mechanism of disease.

Literature cited by the submitters: PubMed 16199547 (cited by Labcorp Genetics (formerly Invitae), Labcorp); PubMed 10951519 (cited by Labcorp Genetics (formerly Invitae), Labcorp); PubMed 11328726 (cited by Labcorp Genetics (formerly Invitae), Labcorp).